The following is an entry in ClinVar:

ClinVar aggregate classification (germline): Uncertain significance (1 of 4 stars; one submission).

Submission:

Women's Health and Genetics/Laboratory Corporation of America, LabCorp
Classification: Uncertain significance. Last evaluated: 2019-01-09. Review status: criteria provided, single submitter. Criteria: LabCorp Variant Classification Summary - May 2015. Collection method: clinical testing. Allele origin: germline.
Comment: Variant summary: CFTR c.2052A>C (p.Lys684Asn) results in a non-conservative amino acid change located in the regulator domain (IPR025837) of the encoded protein sequence. Three of five in-silico tools predict a damaging effect of the variant on protein function. The variant was absent in 275226 control chromosomes (gnomAD). The available data on variant occurrences in the general population are insufficient to allow any conclusion about variant significance. To our knowledge, no occurrence of c.2052A>C in individuals affected with Cystic Fibrosis and no experimental evidence demonstrating its impact on protein function have been reported. No clinical diagnostic laboratories have submitted clinical-significance assessments for this variant to ClinVar after 2014. Based on the evidence outlined above, the variant was classified as uncertain significance.

NM_000492.4(CFTR):c.2052A>C (p.Lys684Asn)

Gene: CFTR (CF transmembrane conductance regulator; plus strand). Cytogenetic location: 7q31.2.
Variant type: single nucleotide variant.
Coding change: c.2052A>C on transcript NM_000492.4 (MANE Select); coding-DNA position 2052, A replaced by C.
Protein change: p.Lys684Asn; replaces lysine 684 with asparagine.
Molecular consequence: missense variant.
Genome position (GRCh38, 1-based): chr7:117,592,219, A>C. VCF-style: chr7-117592219-A-C. GRCh37 (hg19) VCF-style: chr7-117232273-A-C.
Other names: short protein forms K684N.
Identifiers: ClinVar variation 929213 (VCV000929213.1), dbSNP rs750642366, ClinGen allele CA368979443.